The following is an entry in ClinVar:

ClinVar aggregate classification (germline): Benign/Likely benign. Review status: criteria provided, multiple submitters, no conflicts (2 of 4 stars). 10 submissions from 10 submitters: Benign (7); Likely benign (2). 1 of the submissions does not count toward it. Last evaluated 2026-09-21.

Conditions:
Cardiomyopathy (CMYO). Also called: Cardiomyopathies. Identifiers: Orphanet 167848, MedGen C0878544, MONDO:0004994, HP:0001638. Inheritance: Various modes of inheritance.
Fabry disease. Also called: Fabry's disease; Angiokeratoma corporis diffusum; GLA DEFICIENCY; HEREDITARY DYSTOPIC LIPIDOSIS; ALPHA-GALACTOSIDASE A DEFICIENCY; ANDERSON-FABRY DISEASE. Identifiers: Orphanet 324, MedGen C0002986, MONDO:0010526, OMIM 301500, HP:0001071. Disease mechanism: loss of function, Fabry disease is due to inactivating mutations in the X-linked GLA gene resulting in deficiency of the enzyme Alpha Galactosidase-A..

Submissions (10):

Molecular Diagnostic Laboratory for Inherited Cardiovascular Disease, Montreal Heart Institute
Classification: Likely benign. Last evaluated: 2026-09-21. Review status: criteria provided, single submitter. Criteria: ACMG Guidelines, 2015. Collection method: clinical testing. Allele origin: germline. Affected: no.

Genomenon, Inc
Classification: Benign for Fabry disease. Last evaluated: 2026-09-08. Review status: criteria provided, single submitter. Criteria: Genomenon Sequence Variant Interpretation Standards - Updated. Collection method: curation. Allele origin: germline. Affected: no.
Comment: GLA c.640-854_640-853del is a deletion variant located in intron 4. This variant is present at high allele frequency in population databases. We classify GLA c.640-854_640-853del as a benign variant.

Blueprint Genetics
Classification: Likely benign. Last evaluated: 2024-11-28. Review status: criteria provided, single submitter. Criteria: ACMG Guidelines, 2015. Collection method: clinical testing. Allele origin: germline.

Mayo Clinic Laboratories, Mayo Clinic
Classification: Benign. Last evaluated: 2023-04-24. Review status: criteria provided, single submitter. Criteria: ACMG Guidelines, 2015. Collection method: clinical testing. Allele origin: germline. Observed: 11 variant alleles.
Comment: BS1, BS2, BP4, BP7

Genome-Nilou Lab
Classification: Benign for Fabry disease. Last evaluated: 2021-07-15. Review status: criteria provided, single submitter. Criteria: ACMG Guidelines, 2015. Collection method: clinical testing. Allele origin: germline. Affected: no.

ARUP Laboratories, Molecular Genetics and Genomics, ARUP Laboratories
Classification: Benign. Last evaluated: 2021-01-15. Review status: criteria provided, single submitter. Criteria: ARUP Molecular Germline Variant Investigation Process 2021. Collection method: clinical testing. Allele origin: germline.

CHEO Genetics Diagnostic Laboratory, Children's Hospital of Eastern Ontario
Classification: Benign for Cardiomyopathy. Last evaluated: 2017-10-31. Review status: criteria provided, single submitter. Criteria: ACMG Guidelines, 2015. Collection method: clinical testing. Allele origin: germline. Study: Canadian Open Genetics Repository.

GeneDx
Classification: Benign. Last evaluated: 2016-07-20. Review status: criteria provided, single submitter. Criteria: GeneDx Variant Classification (06012015). Collection method: clinical testing. Allele origin: germline. Affected: yes.
Comment: This variant is considered likely benign or benign based on one or more of the following criteria: it is a conservative change, it occurs at a poorly conserved position in the protein, it is predicted to be benign by multiple in silico algorithms, and/or has population frequency not consistent with disease.

Laboratory for Molecular Medicine, Mass General Brigham Personalized Medicine
Classification: Benign. Last evaluated: 2010-03-14. Review status: criteria provided, single submitter. Criteria: LMM Criteria. Collection method: clinical testing. Allele origin: germline. Observed: 59 variant alleles.

Natera, Inc.
Classification: Benign for Fabry disease. Last evaluated: 2020-09-16. Review status: no assertion criteria provided. Collection method: clinical testing. Allele origin: germline. Not counted in ClinVar's aggregate classification.

NM_000169.3(GLA):c.640-854_640-853del

Genes: GLA (galactosidase alpha; minus strand), RPL36A-HNRNPH2 (RPL36A-HNRNPH2 readthrough; plus strand). Cytogenetic location: Xq22.1.
Variant type: Microsatellite.
Coding change: c.640-854_640-853del on transcript NM_000169.3 (MANE Select); 854 bases into the intron before coding-DNA position 640 through 853 bases into the intron before coding-DNA position 640, 2 bases deleted (AG; older notation c.640-854_640-853delAG).
Molecular consequence: intron variant.
Genome position (GRCh38, 1-based): chrX:101,399,799-101,399,800, CT deleted on the plus strand (AG on the coding strand, the reverse complement: GLA is on the minus strand); deleting any 2 consecutive bases within chrX:101,399,799-101,399,802 gives the same sequence; the c. name uses the placement nearest the transcript's 3' end. VCF-style (leftmost placement, unchanged base first): chrX-101399798-GCT-G. GRCh37 (hg19) VCF-style: chrX-100654786-GCT-G.
Other names: c.640-854_640-853delAG (NM_000169.2); c.300+4344_300+4345del (NM_001199973.2); c.177+7979_177+7980del (NM_001199974.2); c.763-854_763-853del (NM_001406747.1); c.640-854_640-853del (NM_001406748.1).
Identifiers: ClinVar variation 42458 (VCV000042458.24), dbSNP rs201655854, ClinGen allele CA021912.
Genomic context (GRCh38, chrX:101,399,798, plus strand): 5'-ACTTACACTCTAGTGGGGAGACATGGTAACAAGTCAACAAATACTTCCAAATAGTGTGGA[GCT>G]CTGAGAAGAAAATTAAACAGGTTAATGTGATGAAGAATGAATGGACAGAGGGCTATTTTA-3'